The following is an entry in ClinVar:

ClinVar aggregate classification (germline): Pathogenic (1 of 4 stars; one submission).

Conditions:
ABCC2-related disorder. Also called: ABCC2-related condition.

Submission:

PreventionGenetics, part of Exact Sciences
Classification: Pathogenic for ABCC2-related condition. Last evaluated: 2026-04-06. Review status: criteria provided, single submitter. Criteria: ACMG Guidelines, 2015. Collection method: clinical testing. Allele origin: germline.
Comment: The ABCC2 c.3050_3057del8 variant is predicted to result in a frameshift and premature protein termination (p.Ala1017Glufs*54). To our knowledge, this variant has not been reported in the literature or in a large population database (gnomAD), indicating this variant is rare. Frameshift variants in ABCC2 are expected to be pathogenic. This variant is interpreted as pathogenic.

NM_000392.5(ABCC2):c.3050_3057del (p.Ala1017fs)

Gene: ABCC2 (ATP binding cassette subfamily C member 2; plus strand). Cytogenetic location: 10q24.2.
Variant type: Deletion.
Coding change: c.3050_3057del on transcript NM_000392.5 (MANE Select); coding-DNA positions 3050 to 3057, 8 bases deleted (CATCTCAG; older notation c.3050_3057delCATCTCAG).
Protein change: p.Ala1017fs; shifts the reading frame from alanine 1017.
Molecular consequence: frameshift variant.
Genome position (GRCh38, 1-based): chr10:99,831,777-99,831,784, CATCTCAG deleted; deleting any 8 consecutive bases within chr10:99,831,774-99,831,784 gives the same sequence; the c. name uses the placement nearest the transcript's 3' end. VCF-style (leftmost placement, unchanged base first): chr10-99831773-CCAGCATCT-C. GRCh37 (hg19) VCF-style: chr10-101591530-CCAGCATCT-C.
Other names: short protein forms A1017fs.
Identifiers: ClinVar variation 4999929 (VCV004999929.1).
Genomic context (GRCh38, chr10:99,831,773, plus strand): 5'-TCCAACCTCTGGCTCAGTGCTTGGACCAGTGACTCTAAAATCTTCAATAGCACCGACTAT[CCAGCATCT>C]CAGAGGGACATGAGAGTTGGAGTCTACGGAGCTCTGGGATTAGCCCAAGGTATGTCTGAT-3'